The following is an entry in ClinVar:

ClinVar aggregate classification (germline): Uncertain significance (1 of 4 stars; one submission).

Conditions:
Charcot-Marie-Tooth disease type 4. Also called: Charcot-Marie-Tooth, Type 4; Charcot-Marie-Tooth disease, type IV. Identifiers: Orphanet 64749, MedGen C4082197, MONDO:0018995.

Submission:

Labcorp Genetics (formerly Invitae), Labcorp
Classification: Uncertain significance for Charcot-Marie-Tooth disease type 4. Last evaluated: 2022-01-01. Review status: criteria provided, single submitter. Criteria: Invitae Variant Classification Sherloc (09022015). Collection method: clinical testing. Allele origin: germline.
Comment: In summary, the available evidence is currently insufficient to determine the role of this variant in disease. Therefore, it has been classified as a Variant of Uncertain Significance. Experimental studies and prediction algorithms are not available or were not evaluated, and the functional significance of this variant is currently unknown. This variant has not been reported in the literature in individuals affected with PRX-related conditions. This variant is not present in population databases (gnomAD no frequency). This sequence change creates a premature translational stop signal (p.Val1403Profs*16) in the PRX gene. While this is not anticipated to result in nonsense mediated decay, it is expected to disrupt the last 59 amino acid(s) of the PRX protein.

NM_181882.3(PRX):c.4205_4206dup (p.Val1403fs)

Gene: PRX (periaxin; minus strand). Cytogenetic location: 19q13.2.
Variant type: Duplication.
Coding change: c.4205_4206dup on transcript NM_181882.3 (MANE Select); coding-DNA positions 4205 to 4206, 2 bases duplicated (CC; older notation c.4205_4206dupCC).
Protein change: p.Val1403fs; shifts the reading frame from valine 1403.
Molecular consequence: frameshift variant. On other transcripts: 3 prime UTR variant (1).
Genome position (GRCh38, 1-based): chr19:40,394,146-40,394,147, GG duplicated on the plus strand (CC on the coding strand, the reverse complement: PRX is on the minus strand); duplicating any 2 consecutive bases within chr19:40,394,146-40,394,150 gives the same sequence; the c. name uses the placement nearest the transcript's 3' end. VCF-style (leftmost placement, unchanged base first): chr19-40394145-C-CGG. GRCh37 (hg19) VCF-style: chr19-40900052-C-CGG.
Other names: c.4487_4488dup, p.Val1498Profs (NM_001411127.1); c.*4410_*4411dup (NM_020956.2); short protein forms V1403fs.
Identifiers: ClinVar variation 2069280 (VCV002069280.4), dbSNP rs2514797100, ClinGen allele CA2580097253.
Genomic context (GRCh38, chr19:40,394,145, plus strand): 5'-TCCGGGCCTTGGGGCTTAGGGACACCCTGGGGAAGCGGAACTTGGGTGACTTCTCTCTGA[C>CGG]GGGGGACTTGGGGGCTGCATCGCCCTCCTGCCCCCGAGAGGCTTTAGAAGGGGCCGCCAG-3'